The following is an entry in ClinVar:

ClinVar aggregate classification (germline): Conflicting classifications of pathogenicity. Review status: criteria provided, conflicting classifications (1 of 4 stars). 5 submissions from 5 submitters: Uncertain significance (1); Benign (1). 3 of the submissions do not count toward it. Last evaluated 2026-01-29.

Conditions:
PKHD1-related disorder. Also called: PKHD1-related condition.
Autosomal recessive polycystic kidney disease (ARPKD). Also called: AR polycystic kidney disease. Identifiers: Orphanet 731, Orphanet 8378, MedGen C0085548, MeSH D017044, MONDO:0009889.

Allele frequency attached by ClinVar (database versions not stated): TOPMed 0.00003; gnomAD 0.00005 and 0.00023; gnomAD exomes 0.00028 and 0.00047; ExAC 0.00057; 1000 Genomes Project 0.00080; 1000 Genomes Project 30x 0.00109.
gnomAD v4.1: 441 of 1,611,450 alleles (0.027%); highest among the groups gnomAD compares: South Asian, 0.44%; 8 homozygotes.

Submissions (5):

Labcorp Genetics (formerly Invitae), Labcorp
Classification: Benign for Autosomal recessive polycystic kidney disease. Last evaluated: 2026-01-29. Review status: criteria provided, single submitter. Criteria: Invitae Variant Classification Sherloc (09022015). Collection method: clinical testing. Allele origin: germline.

Illumina Laboratory Services, Illumina
Classification: Uncertain significance for Polycystic kidney disease 4. Last evaluated: 2018-01-12. Review status: criteria provided, single submitter. Criteria: ICSL Variant Classification Criteria 13 December 2019. Collection method: clinical testing. Allele origin: germline.

PreventionGenetics, part of Exact Sciences
Classification: Likely benign for PKHD1-related condition. Last evaluated: 2022-02-11. Review status: no assertion criteria provided. Collection method: clinical testing. Allele origin: germline. Not counted in ClinVar's aggregate classification.
Comment: This variant is classified as likely benign based on ACMG/AMP sequence variant interpretation guidelines (Richards et al. 2015 PMID: 25741868, with internal and published modifications).

Natera, Inc.
Classification: Likely benign for Autosomal recessive polycystic kidney disease. Last evaluated: 2018-04-16. Review status: no assertion criteria provided. Collection method: clinical testing. Allele origin: germline. Not counted in ClinVar's aggregate classification.

Department of Pathology and Laboratory Medicine, Sinai Health System
Classification: Likely benign. Review status: no assertion criteria provided. Collection method: clinical testing. Allele origin: unknown. Affected: yes. Study: The Canadian Open Genetics Repository (COGR). Not counted in ClinVar's aggregate classification.
Comment: The PKHD1 p.A3742T variant was not identified in the literature but was identified in dbSNP (ID: rs557211301) and ClinVar (classified as benign by Invitae and as uncertain significance by Illumina). The variant was identified in control databases in 120 of 282576 chromosomes (1 homozygous) at a frequency of 0.0004247, and was observed at the highest frequency in the South Asian population in 113 of 30610 chromosomes (freq: 0.003692) (Genome Aggregation Database March 6, 2019, v2.1.1). The p.A3742 residue is not conserved in mammals and computational analyses (MUT Assesor, PolyPhen-2, SIFT, MutationTaster, Revel, FATHMM, MetaLR, DANN) do not suggest a high likelihood of impact to the protein; this information is not very predictive of pathogenicity. The variant occurs outside of the splicing consensus sequence and in silico or computational prediction software programs (Splice AI exome and Splice AI genome) do not predict a deleterious effect on splicing. In summary, based on the above information the clinical significance of this variant cannot be determined with certainty at this time although we would lean towards a more benign role for this variant. This variant is classified as likely benign.

NM_138694.4(PKHD1):c.11224G>A (p.Ala3742Thr)

Gene: PKHD1 (PKHD1 ciliary IPT domain containing fibrocystin/polyductin; minus strand). Cytogenetic location: 6p12.3.
Variant type: single nucleotide variant.
Coding change: c.11224G>A on transcript NM_138694.4 (MANE Select); coding-DNA position 11224, G replaced by A.
Protein change: p.Ala3742Thr; replaces alanine 3742 with threonine.
Molecular consequence: missense variant.
Genome position (GRCh38, 1-based): chr6:51,649,171, C>T on the plus strand (G>A on the coding strand, the complement: PKHD1 is on the minus strand). VCF-style: chr6-51649171-C-T. GRCh37 (hg19) VCF-style: chr6-51513969-C-T.
Other names: short protein forms A3742T.
Identifiers: ClinVar variation 414168 (VCV000414168.24), dbSNP rs557211301, ClinGen allele CA3850924.